The following is an entry in ClinVar:

ClinVar aggregate classification (germline): Uncertain significance (1 of 4 stars; one submission).

Submission:

GeneDx
Classification: Uncertain significance. Last evaluated: 2025-09-04. Review status: criteria provided, single submitter. Criteria: GeneDx Variant Classification Process June 2021. Collection method: clinical testing. Allele origin: germline. Affected: yes.
Comment: Has not been previously published as pathogenic or benign to our knowledge; Located in a regulatory region; in the absence of functional studies, the actual effect of this sequence change is unknown; In silico analysis is inconclusive as to whether the variant alters gene splicing. In the absence of RNA/functional studies, the actual effect of this sequence change is unknown.

NM_152778.4(MFSD8):c.-75-2_-75-1inv

Gene: MFSD8 (major facilitator superfamily domain containing 8; minus strand). Cytogenetic location: 4q28.2.
Variant type: Inversion.
Coding change: c.-75-2_-75-1inv on transcript NM_152778.4.
Molecular consequence: splice acceptor variant. On other transcripts: intron variant (2).
Genome position: GRCh38 VCF-style: chr4-127965209-CT-AG. GRCh37 (hg19) VCF-style: chr4-128886364-CT-AG.
Other names: c.-74+687_-74+688inv (NM_001410765.1, NM_001371590.2).
Identifiers: ClinVar variation 1318926 (VCV001318926.6), ClinGen allele CA2573052298.